The following is an entry in ClinVar:

NM_001377275.1(PER3):c.2526G>A (p.Gln842=)

Genes: PER3 (period circadian regulator 3; plus strand), LOC126805604 (CDK7 strongly-dependent group 2 enhancer GRCh37_chr1:7886590-7887789; plus strand). Cytogenetic location: 1p36.23.
Variant type: single nucleotide variant.
Coding change: c.2526G>A on transcript NM_001377275.1 (MANE Select); coding-DNA position 2526, G replaced by A.
Protein change: p.Gln842=; no amino-acid change (glutamine 842 retained).
Molecular consequence: synonymous variant.
Genome position (GRCh38, 1-based): chr1:7,827,455, G>A. VCF-style: chr1-7827455-G-A. GRCh37 (hg19) VCF-style: chr1-7887515-G-A.
Other names: c.2526G>A, p.Gln842= (NM_001289861.2, NM_001289862.2); c.2505G>A, p.Gln835= (NM_001289863.3, NM_001377276.1); c.1569G>A, p.Gln523= (NM_001289864.3); c.2502G>A, p.Gln834= (NM_016831.4).
Identifiers: ClinVar variation 3057957 (VCV003057957.2), dbSNP rs1480760882, ClinGen allele CA416028170.

ClinVar aggregate classification (germline): Likely benign (0 of 4 stars; one submission).

Conditions:
PER3-related disorder. Also called: PER3-related condition.

Allele frequency attached by ClinVar (database versions not stated): gnomAD 0.00001; TOPMed 0.00002.
gnomAD v4.1: 14 of 1,614,058 alleles (0.00087%); highest among the groups gnomAD compares: African/African-American, 0.0013%; no homozygotes.

Submission:

PreventionGenetics, part of Exact Sciences
Classification: Likely benign for PER3-related condition. Last evaluated: 2019-04-02. Review status: no assertion criteria provided. Collection method: clinical testing. Allele origin: germline.
Comment: This variant is classified as likely benign based on ACMG/AMP sequence variant interpretation guidelines (Richards et al. 2015 PMID: 25741868, with internal and published modifications).